The following is an entry in ClinVar:

ClinVar aggregate classification (germline): Uncertain significance (1 of 4 stars; one submission).

Conditions:
Hypoplastic left heart syndrome. Also called: Hypoplastic left heart; Hypoplastic left ventricle. Identifiers: Orphanet 2248, MedGen C0152101, MONDO:0004933, HP:0004383.

Submission:

Labcorp Genetics (formerly Invitae), Labcorp
Classification: Uncertain significance for Hypoplastic left heart syndrome. Last evaluated: 2025-06-09. Review status: criteria provided, single submitter. Criteria: Invitae Variant Classification Sherloc (09022015). Collection method: clinical testing. Allele origin: germline.
Comment: This sequence change creates a premature translational stop signal (p.Leu28Serfs*20) in the HAND1 gene. It is expected to result in an absent or disrupted protein product. However, the current clinical and genetic evidence is not sufficient to establish whether loss-of-function variants in HAND1 cause disease. This variant is not present in population databases (gnomAD no frequency). This variant has not been reported in the literature in individuals affected with HAND1-related conditions. In summary, the available evidence is currently insufficient to determine the role of this variant in disease. Therefore, it has been classified as a Variant of Uncertain Significance.

NM_004821.3(HAND1):c.82del (p.Leu28fs)

Gene: HAND1 (heart and neural crest derivatives expressed 1; minus strand). Cytogenetic location: 5q33.2.
Variant type: Deletion.
Coding change: c.82del on transcript NM_004821.3 (MANE Select); coding-DNA position 82, one base deleted (C; older notation c.82delC).
Protein change: p.Leu28fs; shifts the reading frame from leucine 28.
Molecular consequence: frameshift variant.
Genome position (GRCh38, 1-based): chr5:154,477,927, G deleted on the plus strand (C on the coding strand, the reverse complement: HAND1 is on the minus strand); the first of 2 consecutive G bases (chr5:154,477,927-154,477,928); deleting either gives the same sequence. VCF-style (leftmost placement, unchanged base first): chr5-154477926-AG-A. GRCh37 (hg19) VCF-style: chr5-153857486-AG-A.
Other names: short protein forms L28fs.
Identifiers: ClinVar variation 4721028 (VCV004721028.1).